The following is an entry in ClinVar:

ClinVar aggregate classification (germline): Conflicting classifications of pathogenicity. Review status: criteria provided, conflicting classifications (1 of 4 stars). 5 submissions from 5 submitters: Uncertain significance (2); Likely benign (1). 2 of the submissions do not count toward it. Last evaluated 2026-07-24.

Conditions:
Inborn genetic diseases. Identifiers: MedGen C0950123, MeSH D030342.
MAGEL2-related disorder. Also called: MAGEL2-related condition.

Allele frequency attached by ClinVar (database versions not stated): gnomAD 0.00001; TOPMed 0.00002; ExAC 0.00005; gnomAD exomes 0.00006.

Submissions (5):

PreventionGenetics, part of Exact Sciences
Classification: Uncertain significance for MAGEL2-related condition. Last evaluated: 2026-07-24. Review status: criteria provided, single submitter. Criteria: ACMG Guidelines, 2015. Collection method: clinical testing. Allele origin: germline.
Comment: The MAGEL2 c.2158G>C variant is predicted to result in the amino acid substitution p.Glu720Gln. To our knowledge, this variant has not been reported in the literature. This variant is reported in 0.0096% of alleles in individuals of European (Non-Finnish) descent in gnomAD. At this time, the clinical significance of this variant is uncertain due to the absence of conclusive functional and genetic evidence.

Labcorp Genetics (formerly Invitae), Labcorp
Classification: Uncertain significance. Last evaluated: 2024-01-04. Review status: criteria provided, single submitter. Criteria: Invitae Variant Classification Sherloc (09022015). Collection method: clinical testing. Allele origin: germline.
Comment: This sequence change replaces glutamic acid, which is acidic and polar, with glutamine, which is neutral and polar, at codon 720 of the MAGEL2 protein (p.Glu720Gln). This variant is present in population databases (rs200958282, gnomAD 0.008%). This variant has not been reported in the literature in individuals affected with MAGEL2-related conditions. ClinVar contains an entry for this variant (Variation ID: 1299945). Advanced modeling of protein sequence and biophysical properties (such as structural, functional, and spatial information, amino acid conservation, physicochemical variation, residue mobility, and thermodynamic stability) has been performed at Invitae for this missense variant, however the output from this modeling did not meet the statistical confidence thresholds required to predict the impact of this variant on MAGEL2 protein function. In summary, the available evidence is currently insufficient to determine the role of this variant in disease. Therefore, it has been classified as a Variant of Uncertain Significance.

Ambry Genetics
Classification: Likely benign for Inborn genetic diseases. Last evaluated: 2023-12-09. Review status: criteria provided, single submitter. Criteria: Ambry Variant Classification Scheme 2023. Collection method: clinical testing. Allele origin: germline.

Clinical Genetics DNA and cytogenetics Diagnostics Lab, Erasmus MC, Erasmus Medical Center
Classification: Uncertain significance. Review status: no assertion criteria provided. Collection method: clinical testing. Allele origin: germline. Affected: yes. Study: VKGL Data-share Consensus. Not counted in ClinVar's aggregate classification.

Clinical Genetics, Academic Medical Center
Classification: Uncertain significance. Review status: no assertion criteria provided. Collection method: clinical testing. Allele origin: germline. Affected: yes. Study: VKGL Data-share Consensus. Not counted in ClinVar's aggregate classification.

NM_019066.5(MAGEL2):c.2158G>C (p.Glu720Gln)

Gene: MAGEL2 (MAGE family member L2; minus strand). Cytogenetic location: 15q11.2.
Variant type: single nucleotide variant.
Coding change: c.2158G>C on transcript NM_019066.5 (MANE Select); coding-DNA position 2158, G replaced by C.
Protein change: p.Glu720Gln; replaces glutamic acid 720 with glutamine.
Molecular consequence: missense variant.
Genome position (GRCh38, 1-based): chr15:23,645,585, C>G on the plus strand (G>C on the coding strand, the complement: MAGEL2 is on the minus strand). VCF-style: chr15-23645585-C-G. GRCh37 (hg19) VCF-style: chr15-23890732-C-G.
Other names: c.2158G>C (NM_019066.4); short protein forms E720Q.
Identifiers: ClinVar variation 1299945 (VCV001299945.7), dbSNP rs200958282, ClinGen allele CA7429954.